The following is an entry in ClinVar:

ClinVar aggregate classification (germline): Uncertain significance (1 of 4 stars; one submission).

Submission:

Dasa
Classification: Uncertain significance. Last evaluated: 2026-03-03. Review status: criteria provided, single submitter. Criteria: DASA Assertion Criteria. Collection method: clinical testing. Allele origin: germline.
Comment: NM_133433.4(NIPBL):c.5810T>G (p.Val1937Gly) is a missense variant that results in the substitution of valine with glycine. This variant is absent from population databases. Computational prediction algorithms are consistent with a deleterious effect. The currently available literature and clinical evidence are not sufficient to establish a definitive association between this variant and the reported condition. Therefore, this variant is classified as a variant of uncertain significance.

NM_133433.4(NIPBL):c.5810T>G (p.Val1937Gly)

Gene: NIPBL (NIPBL cohesin loading factor; plus strand). Cytogenetic location: 5p13.2.
Variant type: single nucleotide variant.
Coding change: c.5810T>G on transcript NM_133433.4 (MANE Select); coding-DNA position 5810, T replaced by G.
Protein change: p.Val1937Gly; replaces valine 1937 with glycine.
Molecular consequence: missense variant.
Genome position (GRCh38, 1-based): chr5:37,027,360, T>G. VCF-style: chr5-37027360-T-G. GRCh37 (hg19) VCF-style: chr5-37027462-T-G.
Other names: c.5810T>G, p.Val1937Gly (NM_001438586.1, NM_015384.5); short protein forms V1937G.
Identifiers: ClinVar variation 4886705 (VCV004886705.2).